The following is an entry in ClinVar:

ClinVar aggregate classification (germline): Uncertain significance (1 of 4 stars; one submission).

Conditions:
Primary ciliary dyskinesia. Also called: Ciliary dyskinesia. Identifiers: Orphanet 244, MedGen C0008780, MONDO:0016575, HP:0012265.

Allele frequency attached by ClinVar (database versions not stated): TOPMed 0.00001.

Submission:

Labcorp Genetics (formerly Invitae), Labcorp
Classification: Uncertain significance for Primary ciliary dyskinesia. Last evaluated: 2021-05-13. Review status: criteria provided, single submitter. Criteria: Invitae Variant Classification Sherloc (09022015). Collection method: clinical testing. Allele origin: germline.
Comment: In summary, the available evidence is currently insufficient to determine the role of this variant in disease. Therefore, it has been classified as a Variant of Uncertain Significance. Algorithms developed to predict the effect of missense changes on protein structure and function are either unavailable or do not agree on the potential impact of this missense change (SIFT: "Deleterious"; PolyPhen-2: "Probably Damaging"; Align-GVGD: "Class C0"). This variant has not been reported in the literature in individuals with MCIDAS-related conditions. The frequency data for this variant in the population databases is considered unreliable, as metrics indicate insufficient coverage at this position in the ExAC database. This sequence change replaces serine with isoleucine at codon 385 of the MCIDAS protein (p.Ser385Ile). The serine residue is highly conserved and there is a large physicochemical difference between serine and isoleucine.

NM_001190787.3(MCIDAS):c.1154G>T (p.Ser385Ile)

Gene: MCIDAS (multiciliate differentiation and DNA synthesis associated cell cycle protein; minus strand). Cytogenetic location: 5q11.2.
Variant type: single nucleotide variant.
Coding change: c.1154G>T on transcript NM_001190787.3 (MANE Select); coding-DNA position 1154, G replaced by T.
Protein change: p.Ser385Ile; replaces serine 385 with isoleucine.
Molecular consequence: missense variant.
Genome position (GRCh38, 1-based): chr5:55,220,370, C>A on the plus strand (G>T on the coding strand, the complement: MCIDAS is on the minus strand). VCF-style: chr5-55220370-C-A. GRCh37 (hg19) VCF-style: chr5-54516198-C-A.
Other names: short protein forms S385I.
Identifiers: ClinVar variation 864673 (VCV000864673.10), dbSNP rs1745327756, ClinGen allele CA359730421.